The following is an entry in ClinVar:

ClinVar aggregate classification (germline): Uncertain significance (1 of 4 stars; one submission).

gnomAD v4.1: 1 of 1,610,240 alleles (0.000062%); highest among the groups gnomAD compares: African/African-American, 0.0013%; no homozygotes.

Submission:

GeneDx
Classification: Uncertain significance. Last evaluated: 2023-02-24. Review status: criteria provided, single submitter. Criteria: GeneDx Variant Classification Process June 2021. Collection method: clinical testing. Allele origin: germline. Affected: yes.
Comment: Not observed at significant frequency in large population cohorts (gnomAD); In silico analysis supports that this missense variant has a deleterious effect on protein structure/function; Has not been previously published as pathogenic or benign to our knowledge

NM_001080414.4(CCDC88C):c.2097C>G (p.Asn699Lys)

Gene: CCDC88C (coiled-coil domain containing 88C; minus strand). Cytogenetic location: 14q32.11.
Variant type: single nucleotide variant.
Coding change: c.2097C>G on transcript NM_001080414.4 (MANE Select); coding-DNA position 2097, C replaced by G.
Protein change: p.Asn699Lys; replaces asparagine 699 with lysine.
Molecular consequence: missense variant.
Genome position (GRCh38, 1-based): chr14:91,313,719, G>C on the plus strand (C>G on the coding strand, the complement: CCDC88C is on the minus strand). VCF-style: chr14-91313719-G-C. GRCh37 (hg19) VCF-style: chr14-91780063-G-C.
Other names: short protein forms N699K.
Identifiers: ClinVar variation 2577673 (VCV002577673.1), dbSNP rs774964242, ClinGen allele CA390631672.
Genomic context (GRCh38, chr14:91,313,719, plus strand): 5'-GGTGAAGCGCATGGTCTCCACCAGCCTGCGCAGCTCCAGGTTCTCTGCGTCCAGCTGCTT[G>C]TTGTCACGCTCCAGGCCCTCAAGCTGCAGGGACACGTTCTGCAAGGTGTCCAGAGACTTC-3'
Protein context (NP_001073883.2, residues 689-709): SLQLEGLERD[Asn699Lys]KQLDAENLEL